The following is an entry in ClinVar:

ClinVar aggregate classification (germline): Likely pathogenic (1 of 4 stars; one submission).

Conditions:
Telangiectasia, hereditary hemorrhagic, type 2 (HHT2). Also called: ACVRL1-Related Hereditary Hemorrhagic Telangiectasia; Telangiectasia, hereditary hemorrhagic, type II. Identifiers: Orphanet 774, MedGen C1838163, MONDO:0010880, OMIM 600376. Disease mechanism: loss of function.

Submission:

Victorian Clinical Genetics Services, Murdoch Childrens Research Institute
Classification: Likely pathogenic for Telangiectasia, hereditary hemorrhagic, type 2. Last evaluated: 2024-10-25. Review status: criteria provided, single submitter. Criteria: ACMG Guidelines, 2015. Collection method: clinical testing. Allele origin: germline. Affected: yes.
Comment: This variant is classified as Likely pathogenic. Evidence in support of pathogenic classification: Variant is absent from gnomAD (v2, v3 and v4); Other missense variants comparable to the one identified in this case have very strong previous evidence for pathogenicity. Alternative changes including p.(Glu407Lys), p.(Glu407Gly) and p.(Glu407Asp), have been classified as likely pathogenic/pathogenic by multiple clinical laboratories in ClinVar; Missense variant consistently predicted to be damaging by in silico tool or highly conserved with a major amino acid change. Additional information: Variant is predicted to result in a missense amino acid change from glutamic acid to glutamine; This variant is suspected mosaic; This gene is associated with autosomal dominant disease; This variant has no previous evidence of pathogenicity; No published segregation evidence has been identified for this variant; No published functional evidence has been identified for this variant; Variant is located in the annotated protein tyrosine and serine/threonine kinase domain (DECIPHER); Dominant negative and loss of function are known mechanisms of disease in this gene and are associated with hereditary haemorrhagic telangiectasia type 2 (MIM# 600376) (PMIDs: 16282348; 26176610); Variants in this gene are known to have variable expressivity. Clinical expression is known to be extremely variable and age-dependent (PMID: 19767588); Inheritance information for this variant is not currently available in this individual.

Literature cited by the submitters: PubMed 19767588; PubMed 16282348.

NM_000020.3(ACVRL1):c.1219G>C (p.Glu407Gln)

Gene: ACVRL1 (activin A receptor like type 1; plus strand). Cytogenetic location: 12q13.13.
Variant type: single nucleotide variant.
Coding change: c.1219G>C on transcript NM_000020.3 (MANE Select); coding-DNA position 1219, G replaced by C.
Protein change: p.Glu407Gln; replaces glutamic acid 407 with glutamine.
Molecular consequence: missense variant. On other transcripts: intron variant (1).
Genome position (GRCh38, 1-based): chr12:51,916,206, G>C. VCF-style: chr12-51916206-G-C. GRCh37 (hg19) VCF-style: chr12-52309990-G-C.
Other names: c.1219G>C, p.Glu407Gln (NM_001406488.1, NM_001406489.1, NM_001077401.2 and 1 more transcripts); c.907G>C, p.Glu303Gln (NM_001406490.1, NM_001406491.1, NM_001406492.1 and 1 more transcripts); c.655G>C, p.Glu219Gln (NM_001406495.1); c.736+706G>C (NM_001406494.1); short protein forms E219Q, E303Q, E407Q.
Identifiers: ClinVar variation 4531426 (VCV004531426.1).
Genomic context (GRCh38, chr12:51,916,206, plus strand): 5'-ACGGACTGCTTTGAGTCCTACAAGTGGACTGACATCTGGGCCTTTGGCCTGGTGCTGTGG[G>C]AGATTGCCCGCCGGACCATCGTGAATGGTGAGGGCCCACCCTACACAGGGTAGGGAAAGG-3'
Protein context (NP_000011.2, residues 397-417): DIWAFGLVLW[Glu407Gln]IARRTIVNGI